The following is an entry in ClinVar:

ClinVar aggregate classification (germline): Uncertain significance (1 of 4 stars; one submission).

Conditions:
Pontocerebellar hypoplasia type 1B. Also called: EXOSC3 Pontocerebellar Hypoplasia. Identifiers: Orphanet 2254, MedGen C3553449, MONDO:0013853, OMIM 614678.

Allele frequency attached by ClinVar (database versions not stated): ExAC 0.00001; ESP Exome Variant Server 0.00008.

Submission:

Labcorp Genetics (formerly Invitae), Labcorp
Classification: Uncertain significance for Pontocerebellar hypoplasia type 1B. Last evaluated: 2022-07-12. Review status: criteria provided, single submitter. Criteria: Invitae Variant Classification Sherloc (09022015). Collection method: clinical testing. Allele origin: germline.
Comment: This sequence change replaces lysine, which is basic and polar, with glutamine, which is neutral and polar, at codon 130 of the EXOSC3 protein (p.Lys130Gln). This variant is present in population databases (rs373193552, gnomAD 0.0009%). This variant has not been reported in the literature in individuals affected with EXOSC3-related conditions. ClinVar contains an entry for this variant (Variation ID: 1409934). Algorithms developed to predict the effect of missense changes on protein structure and function are either unavailable or do not agree on the potential impact of this missense change (SIFT: "Deleterious"; PolyPhen-2: "Probably Damaging"; Align-GVGD: "Class C0"). In summary, the available evidence is currently insufficient to determine the role of this variant in disease. Therefore, it has been classified as a Variant of Uncertain Significance.

NM_016042.4(EXOSC3):c.388A>C (p.Lys130Gln)

Gene: EXOSC3 (exosome component 3; minus strand). Cytogenetic location: 9p13.2.
Variant type: single nucleotide variant.
Coding change: c.388A>C on transcript NM_016042.4 (MANE Select); coding-DNA position 388, A replaced by C.
Protein change: p.Lys130Gln; replaces lysine 130 with glutamine.
Molecular consequence: missense variant.
Genome position (GRCh38, 1-based): chr9:37,784,000, T>G on the plus strand (A>C on the coding strand, the complement: EXOSC3 is on the minus strand). VCF-style: chr9-37784000-T-G. GRCh37 (hg19) VCF-style: chr9-37783997-T-G.
Other names: c.388A>C, p.Lys130Gln (NM_001002269.2); short protein forms K130Q.
Identifiers: ClinVar variation 1409934 (VCV001409934.5), dbSNP rs373193552, ClinGen allele CA5062770.